The following is an entry in ClinVar:

NM_003002.4(SDHD):c.58T>C (p.Leu20=)

Gene: SDHD (succinate dehydrogenase complex subunit D; plus strand). Cytogenetic location: 11q23.1.
Variant type: single nucleotide variant.
Coding change: c.58T>C on transcript NM_003002.4 (MANE Select); coding-DNA position 58, T replaced by C.
Protein change: p.Leu20=; no amino-acid change (leucine 20 retained).
Molecular consequence: synonymous variant. On other transcripts: non-coding transcript variant (1), intron variant (1).
Genome position (GRCh38, 1-based): chr11:112,087,862, T>C. VCF-style: chr11-112087862-T-C. GRCh37 (hg19) VCF-style: chr11-111958586-T-C.
Other names: c.58T>C, p.Leu20= (NM_001276503.2, NM_001276506.2); c.52+903T>C (NM_001276504.2); c.58T>C (NM_003002.3).
Identifiers: ClinVar variation 486439 (VCV000486439.17), dbSNP rs1298878168, ClinGen allele CA476789494.
Genomic context (GRCh38, chr11:112,087,862, plus strand): 5'-GTCAGTCCTGTTAAAGGAGAGGTTCTTATGATCATCCTAATGACTCTTTCCTCAGCTCTG[T>C]TGCTTCGAACTCCAGTGGTCAGACCTGCTCATATCTCAGCATTTCTTCAGGACCGACCTA-3'
Protein context (NP_002993.1, residues 10-30): VCGALGGRAL[Leu20=]LRTPVVRPAH

ClinVar aggregate classification (germline): Benign/Likely benign. Review status: criteria provided, multiple submitters, no conflicts (2 of 4 stars). 5 submissions from 5 submitters: Benign (1); Likely benign (4). Last evaluated 2025-03-17.

Conditions:
Mitochondrial complex 2 deficiency, nuclear type 3. Also called: MITOCHONDRIAL COMPLEX II DEFICIENCY, NUCLEAR TYPE 3. Identifiers: MedGen C5436934, MONDO:0030937, OMIM 619167.
Carney-Stratakis syndrome. Also called: PARAGANGLIOMA AND GASTROINTESTINAL STROMAL TUMOR. Identifiers: Orphanet 97286, MedGen C1847319, MONDO:0011740, OMIM 606864.
Pheochromocytoma/paraganglioma syndrome 1. Also called: Paraganglioma - glomus jugulare; SDHD-Related Hereditary Paraganglioma-Pheochromocytoma Syndrome; PARAGANGLIOMATA; PARAGANGLIOMAS, FAMILIAL NONCHROMAFFIN, 1; PGL 1; Paragangliomas familial 1. Identifiers: Orphanet 29072, MedGen C3494181, MONDO:0008192, OMIM 168000.
Pheochromocytoma. Also called: MAX-Related Hereditary Paraganglioma-Pheochromocytoma Syndrome. Identifiers: Orphanet 29072, MedGen C0031511, MONDO:0008233, OMIM 171300, HP:0002666.
Cowden syndrome 3 (CWS3). Identifiers: Orphanet 201, MedGen CN166604, MONDO:0014045.
Paragangliomas with sensorineural hearing loss. Identifiers: MedGen C1868633.
Hereditary cancer-predisposing syndrome. Also called: Tumor predisposition; Neoplastic Syndromes, Hereditary; Hereditary Cancer Syndrome; Hereditary neoplastic syndrome. Identifiers: Orphanet 140162, MedGen C0027672, MeSH D009386, MONDO:0015356.

Allele frequency attached by ClinVar (database versions not stated): gnomAD exomes below 0.00001.

Submissions (5):

Myriad Genetics, Inc.
Classification: Benign for Pheochromocytoma/paraganglioma syndrome 1. Last evaluated: 2025-03-17. Review status: criteria provided, single submitter. Criteria: Myriad Autosomal Dominant, Autosomal Recessive and X-Linked Classification Criteria (2023). Collection method: clinical testing. Allele origin: unknown.
Comment: This variant is considered benign. This variant is a silent/synonymous amino acid change and it is not expected to impact splicing.

Labcorp Genetics (formerly Invitae), Labcorp
Classification: Likely benign for Carney-Stratakis syndrome; Paragangliomas with sensorineural hearing loss; Pheochromocytoma; Cowden syndrome 3. Last evaluated: 2025-02-11. Review status: criteria provided, single submitter. Criteria: Invitae Variant Classification Sherloc (09022015). Collection method: clinical testing. Allele origin: germline.

Department of Pathology and Laboratory Medicine, Sinai Health System
Classification: Likely benign for Pheochromocytoma/paraganglioma syndrome 1; Carney-Stratakis syndrome; Mitochondrial complex 2 deficiency, nuclear type 3. Last evaluated: 2025-01-07. Review status: criteria provided, single submitter. Criteria: ACMG Guidelines, 2015. Collection method: clinical testing. Allele origin: germline.

Quest Diagnostics Nichols Institute San Juan Capistrano
Classification: Likely benign. Last evaluated: 2022-10-21. Review status: criteria provided, single submitter. Criteria: Quest Diagnostics criteria. Collection method: clinical testing. Allele origin: unknown.

Ambry Genetics
Classification: Likely benign for Hereditary cancer-predisposing syndrome. Last evaluated: 2016-08-01. Review status: criteria provided, single submitter. Criteria: Ambry Variant Classification Scheme 2023. Collection method: clinical testing. Allele origin: germline.